The following is an entry in ClinVar:

ClinVar aggregate classification (germline): Pathogenic. Review status: reviewed by expert panel (3 of 4 stars). 8 submissions from 8 submitters: Pathogenic (1). 7 of the submissions do not count toward it. Last evaluated 2016-09-08.

Conditions:
Hereditary cancer-predisposing syndrome. Also called: Neoplastic Syndromes, Hereditary; Tumor predisposition; Hereditary Cancer Syndrome; Hereditary neoplastic syndrome. Identifiers: Orphanet 140162, MedGen C0027672, MeSH D009386, MONDO:0015356.
Hereditary breast ovarian cancer syndrome. Also called: Hereditary breast and/or ovarian cancer syndrome; Hereditary breast and ovarian cancer syndrome; Hereditary breast and ovarian cancer; Hereditary breast and ovarian cancer syndrome (HBOC); Breast and ovarian cancer; BRCA1- and BRCA2-Associated Hereditary Breast and Ovarian Cancer. Identifiers: Orphanet 145, MedGen C0677776, MeSH D061325, MONDO:0003582. Disease mechanism: loss of function.
Breast-ovarian cancer, familial, susceptibility to, 2 (BROVCA2). Also called: BRCA2 Hereditary Breast and Ovarian Cancer. Identifiers: Orphanet 145, MedGen C2675520, MONDO:0012933, OMIM 612555. Disease mechanism: loss of function.

Allele frequency attached by ClinVar (database versions not stated): gnomAD exomes below 0.00001.

Submissions (8):

Evidence-based Network for the Interpretation of Germline Mutant Alleles (ENIGMA)
Classification: Pathogenic for Breast-ovarian cancer, familial, susceptibility to, 2. Last evaluated: 2016-09-08. Review status: reviewed by expert panel. Criteria: ENIGMA BRCA1/2 Classification Criteria (2015). Collection method: curation. Allele origin: germline.
Comment: Variant allele predicted to encode a truncated non-functional protein.

Labcorp Genetics (formerly Invitae), Labcorp
Classification: Pathogenic for Hereditary breast ovarian cancer syndrome. Last evaluated: 2025-08-22. Review status: criteria provided, single submitter. Criteria: Invitae Variant Classification Sherloc (09022015). Collection method: clinical testing. Allele origin: germline. Not counted in ClinVar's aggregate classification.
Comment: This sequence change creates a premature translational stop signal (p.Tyr1655*) in the BRCA2 gene. It is expected to result in an absent or disrupted protein product. Loss-of-function variants in BRCA2 are known to be pathogenic (PMID: 20104584). This variant is not present in population databases (gnomAD no frequency). This premature translational stop signal has been observed in individual(s) with breast and ovarian cancer (PMID: 21709188, 27836010, 28724667, 29487695). ClinVar contains an entry for this variant (Variation ID: 51751). For these reasons, this variant has been classified as Pathogenic.

Ambry Genetics
Classification: Pathogenic for Hereditary cancer-predisposing syndrome. Last evaluated: 2024-02-12. Review status: criteria provided, single submitter. Criteria: Ambry Variant Classification Scheme 2023. Collection method: clinical testing. Allele origin: germline. Not counted in ClinVar's aggregate classification.
Comment: The c.4965delC pathogenic mutation, located in coding exon 10 of the BRCA2 gene, results from a deletion of one nucleotide at nucleotide position 4965, causing a translational frameshift with a predicted alternate stop codon (p.Y1655*). This alteration was identified in an individual diagnosed with pancreatic cancer (Yin L et al. JAMA Netw Open, 2022 Feb;5:e2148721). This variant was also identified in multiple individuals with a personal and/or family history of breast and/or ovarian cancer (Norquist B et al. J Clin Oncol, 2011 Aug;29:3008-15; Shao D et al. Cancer Sci, 2020 Feb;111:647-657). Of note, this alteration is also known as 5193delC in published literature. In addition to the clinical data presented in the literature, this alteration is expected to result in loss of function by premature protein truncation or nonsense-mediated mRNA decay. As such, this alteration is interpreted as a disease-causing mutation.

Consortium of Investigators of Modifiers of BRCA1/2 (CIMBA), c/o University of Cambridge
Classification: Pathogenic for Breast-ovarian cancer, familial, susceptibility to, 2. Last evaluated: 2015-10-02. Review status: criteria provided, single submitter. Criteria: CIMBA Mutation Classification guidelines May 2016. Collection method: clinical testing. Allele origin: germline. Not counted in ClinVar's aggregate classification.

Juno Genomics, Hangzhou Juno Genomics, Inc
Classification: Pathogenic for Breast-ovarian cancer, familial, susceptibility to, 2. Review status: criteria provided, single submitter. Criteria: ACMG Guidelines, 2015. Collection method: clinical testing. Allele origin: germline. Not counted in ClinVar's aggregate classification.
Comment: Null variant in a gene where loss of function (LOF) is a known mechanism of disease.;Novel missense change at an amino acid residue where a different missense change determined to be pathogenic has been seen before.

Research Molecular Genetics Laboratory, Women's College Hospital, University of Toronto
Classification: Pathogenic for Hereditary breast ovarian cancer syndrome. Last evaluated: 2014-01-31. Review status: no assertion criteria provided. Collection method: research. Allele origin: germline. Affected: yes. Study: The Canadian Open Genetics Repository (COGR). Not counted in ClinVar's aggregate classification.

Sharing Clinical Reports Project (SCRP)
Classification: Pathogenic for Breast-ovarian cancer, familial 2. Last evaluated: 2011-01-19. Review status: no assertion criteria provided. Collection method: clinical testing. Allele origin: germline. Not counted in ClinVar's aggregate classification.

Breast Cancer Information Core (BIC) (BRCA2)
Classification: Pathogenic for Breast-ovarian cancer, familial 2. Last evaluated: 2002-05-29. Review status: no assertion criteria provided. Collection method: clinical testing. Allele origin: germline. Affected: yes. Observed: 2 variant alleles. Not counted in ClinVar's aggregate classification.

Literature cited by the submitters: PubMed 20104584 (cited by Labcorp Genetics (formerly Invitae), Labcorp); PubMed 21709188 (cited by Labcorp Genetics (formerly Invitae), Labcorp and Ambry Genetics); PubMed 27836010 (cited by Labcorp Genetics (formerly Invitae), Labcorp); PubMed 28724667 (cited by Labcorp Genetics (formerly Invitae), Labcorp); PubMed 29487695 (cited by Labcorp Genetics (formerly Invitae), Labcorp); PubMed 31742824 (cited by Ambry Genetics); PubMed 35171259 (cited by Ambry Genetics).

NM_000059.4(BRCA2):c.4965del (p.Cys1654_Tyr1655insTer)

Gene: BRCA2 (BRCA2 DNA repair associated; plus strand). Cytogenetic location: 13q13.1.
Variant type: Deletion.
Coding change: c.4965del on transcript NM_000059.4 (MANE Select); coding-DNA position 4965, one base deleted (C; older notation c.4965delC).
Protein change: p.Cys1654_Tyr1655insTer.
Molecular consequence: nonsense.
Genome position (GRCh38, 1-based): chr13:32,339,320, C deleted. VCF-style (leftmost placement, unchanged base first): chr13-32339319-AC-A. GRCh37 (hg19) VCF-style: chr13-32913456-AC-A.
Other names: 5193delC; c.4965delC (NM_000059.3).
Identifiers: ClinVar variation 51751 (VCV000051751.16), dbSNP rs80359475, ClinGen allele CA021074.